The following is an entry in ClinVar:

ClinVar aggregate classification (germline): Likely benign. Review status: criteria provided, single submitter (1 of 4 stars). 2 submissions from 2 submitters: Likely benign (1). 1 of the submissions does not count toward it. Last evaluated 2025-02-10.

Conditions:
PCNT-related disorder. Also called: PCNT-related condition.

Allele frequency attached by ClinVar (database versions not stated): gnomAD 0.00002; gnomAD exomes 0.00003.
gnomAD v4.1: 20 of 1,599,464 alleles (0.0013%); highest among the groups gnomAD compares: Admixed American, 0.012%; no homozygotes.

Submissions (2):

Labcorp Genetics (formerly Invitae), Labcorp
Classification: Likely benign. Last evaluated: 2025-02-10. Review status: criteria provided, single submitter. Criteria: Invitae Variant Classification Sherloc (09022015). Collection method: clinical testing. Allele origin: germline.

PreventionGenetics, part of Exact Sciences
Classification: Likely benign for PCNT-related condition. Last evaluated: 2022-05-11. Review status: no assertion criteria provided. Collection method: clinical testing. Allele origin: germline. Not counted in ClinVar's aggregate classification.
Comment: This variant is classified as likely benign based on ACMG/AMP sequence variant interpretation guidelines (Richards et al. 2015 PMID: 25741868, with internal and published modifications).

NM_006031.6(PCNT):c.903C>T (p.His301=)

Gene: PCNT (pericentrin; plus strand). Cytogenetic location: 21q22.3.
Variant type: single nucleotide variant.
Coding change: c.903C>T on transcript NM_006031.6 (MANE Select); coding-DNA position 903, C replaced by T.
Protein change: p.His301=; no amino-acid change (histidine 301 retained).
Molecular consequence: synonymous variant.
Genome position (GRCh38, 1-based): chr21:46,346,925, C>T. VCF-style: chr21-46346925-C-T. GRCh37 (hg19) VCF-style: chr21-47766839-C-T.
Other names: c.549C>T, p.His183= (NM_001315529.2); c.903C>T (NM_006031.5).
Identifiers: ClinVar variation 1553372 (VCV001553372.10), dbSNP rs1020485115, ClinGen allele CA321992978.